The following is an entry in ClinVar:

ClinVar aggregate classification (germline): Conflicting classifications of pathogenicity. Review status: criteria provided, conflicting classifications (1 of 4 stars). 3 submissions from 3 submitters: Pathogenic (1); Likely pathogenic (1); Uncertain significance (1). Last evaluated 2025-04-23.

Conditions:
Familial isolated arrhythmogenic right ventricular dysplasia. Identifiers: Orphanet 217656, MedGen C4274968, MONDO:0016342.
Cardiovascular phenotype. Identifiers: MedGen CN230736.
Arrhythmogenic right ventricular dysplasia 1. Identifiers: Orphanet 3403, MedGen C1862511, MONDO:0007152, OMIM 107970.

Allele frequency attached by ClinVar (database versions not stated): gnomAD exomes below 0.00001.

Submissions (3):

Ambry Genetics
Classification: Pathogenic for Cardiovascular phenotype. Last evaluated: 2025-04-23. Review status: criteria provided, single submitter. Criteria: Ambry Variant Classification Scheme 2023. Collection method: clinical testing. Allele origin: germline.
Comment: The c.1913_1916delAGAA pathogenic mutation, located in coding exon 13 of the DSC2 gene, results from a deletion of 4 nucleotides at nucleotide positions 1913 to 1916, causing a translational frameshift with a predicted alternate stop codon (p.Q638Lfs*9). This variant is considered to be rare based on population cohorts in the Genome Aggregation Database (gnomAD). This alteration is expected to result in loss of function by premature protein truncation or nonsense-mediated mRNA decay. As such, this alteration is interpreted as a disease-causing mutation.

All of Us Research Program, National Institutes of Health
Classification: Uncertain significance for Familial isolated arrhythmogenic right ventricular dysplasia. Last evaluated: 2023-11-28. Review status: criteria provided, single submitter. Criteria: ACMG Guidelines, 2015. Collection method: clinical testing. Allele origin: germline. Inheritance: Autosomal dominant inheritance. Observed: 1 variant allele, 1 heterozygote.
Comment: This study involves interpretation of variants in research participants for the purpose of population health screening. Participant phenotype was not available at the time of variant classification. Additional details can be found in publication PMID: 35346344, PMCID: PMC8962531

Molecular Diagnostic Laboratory for Inherited Cardiovascular Disease, Montreal Heart Institute
Classification: Likely pathogenic for Arrhythmogenic right ventricular dysplasia 1. Last evaluated: 2019-01-25. Review status: criteria provided, single submitter. Criteria: ACMG Guidelines, 2015. Collection method: clinical testing. Allele origin: germline. Affected: yes.

NM_024422.6(DSC2):c.1913_1916del (p.Gln638fs)

Gene: DSC2 (desmocollin 2; minus strand). Cytogenetic location: 18q12.1.
Variant type: Deletion.
Coding change: c.1913_1916del on transcript NM_024422.6 (MANE Select); coding-DNA positions 1913 to 1916, 4 bases deleted (AGAA; older notation c.1913_1916delAGAA).
Protein change: p.Gln638fs; shifts the reading frame from glutamine 638.
Molecular consequence: frameshift variant.
Genome position (GRCh38, 1-based): chr18:31,071,814-31,071,817, TTCT deleted on the plus strand (AGAA on the coding strand, the reverse complement: DSC2 is on the minus strand). VCF-style (leftmost placement, unchanged base first): chr18-31071813-ATTCT-A. GRCh37 (hg19) VCF-style: chr18-28651779-ATTCT-A.
Other names: c.1913_1916del, p.Gln638fs (NM_004949.5); c.1913_1916delAGAA (NM_024422.3); short protein forms Q638fs.
Identifiers: ClinVar variation 978277 (VCV000978277.5), dbSNP rs1452512048, ClinGen allele CA778394271.